The following is an entry in ClinVar:

NM_017849.4(TMEM127):c.691C>T (p.Gln231Ter)

Gene: TMEM127 (transmembrane protein 127; minus strand). Cytogenetic location: 2q11.2.
Variant type: single nucleotide variant.
Coding change: c.691C>T on transcript NM_017849.4 (MANE Select); coding-DNA position 691, C replaced by T.
Protein change: p.Gln231Ter; replaces glutamine 231 with a stop codon.
Molecular consequence: nonsense.
Genome position (GRCh38, 1-based): chr2:96,253,834, G>A on the plus strand (C>T on the coding strand, the complement: TMEM127 is on the minus strand). VCF-style: chr2-96253834-G-A. GRCh37 (hg19) VCF-style: chr2-96919572-G-A.
Other names: c.691C>T, p.Gln231Ter (NM_001193304.3); c.439C>T, p.Gln147Ter (NM_001407282.1, NM_001407283.1); short protein forms Q231*, Q147*.
Identifiers: ClinVar variation 3701186 (VCV003701186.3).
Genomic context (GRCh38, chr2:96,253,834, plus strand): 5'-AGGGGCTGCCGAGGAAGAGAGCCCAGGGCTGGCATTAGGGTGTGTAAGCAGGGGGTGGCT[G>A]GAACTGGTTGATGACCTCATATTCCGCCGGGTAGGGCTCGTTCTCTTCCATCTCTGAGAG-3'

ClinVar aggregate classification (germline): Uncertain significance. Review status: criteria provided, multiple submitters, no conflicts (2 of 4 stars). 2 submissions from 2 submitters: Uncertain significance (2). Last evaluated 2025-12-17.

Conditions:
Hereditary pheochromocytoma and paraganglioma. Also called: Hereditary paragangliomas and pheochromocytomas; Hereditary Paraganglioma-Pheochromocytoma Syndromes; Hereditary pheochromocytoma-paraganglioma. Identifiers: Orphanet 29072, MedGen C4274332, MONDO:0017366.
Hereditary cancer-predisposing syndrome. Also called: Tumor predisposition; Hereditary Cancer Syndrome; Neoplastic Syndromes, Hereditary; Hereditary neoplastic syndrome. Identifiers: Orphanet 140162, MedGen C0027672, MeSH D009386, MONDO:0015356.

gnomAD v4.1: 4 of 1,612,292 alleles (0.00025%); highest among the groups gnomAD compares: Non-Finnish European, 0.00034%; no homozygotes.

Submissions (2):

Ambry Genetics
Classification: Uncertain significance for Hereditary cancer-predisposing syndrome. Last evaluated: 2025-12-17. Review status: criteria provided, single submitter. Criteria: Ambry Variant Classification Scheme 2023. Collection method: clinical testing. Allele origin: germline.
Comment: The p.Q231* variant (also known as c.691C>T), located in coding exon 3 of the TMEM127 gene, results from a C to T substitution at nucleotide position 691. This alteration occurs at the 3' terminus of the gene, is not expected to trigger nonsense-mediated mRNAdecay, and impacts the last 8 amino acids of the protein. The exact functional effect of this alteration is unknown. Based on the available evidence, the clinical significance of this variant remains unclear.

Labcorp Genetics (formerly Invitae), Labcorp
Classification: Uncertain significance for Hereditary pheochromocytoma and paraganglioma. Last evaluated: 2024-05-05. Review status: criteria provided, single submitter. Criteria: Invitae Variant Classification Sherloc (09022015). Collection method: clinical testing. Allele origin: germline.
Comment: This sequence change creates a premature translational stop signal (p.Gln231*) in the TMEM127 gene. While this is not anticipated to result in nonsense mediated decay, it is expected to disrupt the last 8 amino acid(s) of the TMEM127 protein. This variant is not present in population databases (gnomAD no frequency). This variant has not been reported in the literature in individuals affected with TMEM127-related conditions. Experimental studies and prediction algorithms are not available or were not evaluated, and the functional significance of this variant is currently unknown. In summary, the available evidence is currently insufficient to determine the role of this variant in disease. Therefore, it has been classified as a Variant of Uncertain Significance.